The following is an entry in ClinVar:

NM_031263.4(HNRNPK):c.1126G>A (p.Gly376Ser)

Gene: HNRNPK (heterogeneous nuclear ribonucleoprotein K; minus strand). Cytogenetic location: 9q21.32.
Variant type: single nucleotide variant.
Coding change: c.1126G>A on transcript NM_031263.4 (MANE Select); coding-DNA position 1126, G replaced by A.
Protein change: p.Gly376Ser; replaces glycine 376 with serine.
Molecular consequence: missense variant.
Genome position (GRCh38, 1-based): chr9:83,970,802, C>T on the plus strand (G>A on the coding strand, the complement: HNRNPK is on the minus strand). VCF-style: chr9-83970802-C-T. GRCh37 (hg19) VCF-style: chr9-86585717-C-T.
Other names: c.1126G>A (NM_002140.3); c.1054G>A, p.Gly352Ser (NM_001318186.2, NM_001318187.2); c.1126G>A, p.Gly376Ser (NM_001318188.2, NM_002140.5, NM_031262.4); short protein forms G352S, G376S.
Identifiers: ClinVar variation 2891424 (VCV002891424.4), dbSNP rs375704482, ClinGen allele CA5103915.
Genomic context (GRCh38, chr9:83,970,802, plus strand): 5'-TGGGAATAGTTACTTGTGTAGTAATAATAGGTCCACCAAGATCACCATATGAGCCACGAC[C>T]CCCTGCATAGGAATAATCTGATTTAAATAATGAGCAGTAAGTTCATTTAAAAAGTATGAA-3'
Protein context (NP_112553.1, residues 366-386): GSGYDYSYAG[Gly376Ser]RGSYGDLGGP

ClinVar aggregate classification (germline): Conflicting classifications of pathogenicity. Review status: criteria provided, conflicting classifications (1 of 4 stars). 2 submissions from 2 submitters: Uncertain significance (1); Likely benign (1). Last evaluated 2025-08-11.

Conditions:
Inborn genetic diseases. Identifiers: MedGen C0950123, MeSH D030342.

Allele frequency attached by ClinVar (database versions not stated): TOPMed 0.00002; gnomAD 0.00003; gnomAD exomes 0.00003; ExAC 0.00004; ESP Exome Variant Server 0.00008.
gnomAD v4.1: 51 of 1,610,128 alleles (0.0032%); highest among the groups gnomAD compares: East Asian, 0.0045%; no homozygotes.

Submissions (2):

Ambry Genetics
Classification: Likely benign for Inborn genetic diseases. Last evaluated: 2025-08-11. Review status: criteria provided, single submitter. Criteria: Ambry Variant Classification Scheme 2023. Collection method: clinical testing. Allele origin: germline.

Labcorp Genetics (formerly Invitae), Labcorp
Classification: Uncertain significance. Last evaluated: 2024-05-17. Review status: criteria provided, single submitter. Criteria: Invitae Variant Classification Sherloc (09022015). Collection method: clinical testing. Allele origin: germline.
Comment: This sequence change replaces glycine, which is neutral and non-polar, with serine, which is neutral and polar, at codon 376 of the HNRNPK protein (p.Gly376Ser). This variant is present in population databases (rs375704482, gnomAD 0.006%). This variant has not been reported in the literature in individuals affected with HNRNPK-related conditions. Advanced modeling of protein sequence and biophysical properties (such as structural, functional, and spatial information, amino acid conservation, physicochemical variation, residue mobility, and thermodynamic stability) performed at Invitae indicates that this missense variant is not expected to disrupt HNRNPK protein function with a negative predictive value of 80%. In summary, the available evidence is currently insufficient to determine the role of this variant in disease. Therefore, it has been classified as a Variant of Uncertain Significance.